The following is an entry in ClinVar:

NM_002972.4(SBF1):c.5596C>A (p.Arg1866Ser)

Gene: SBF1 (SET binding factor 1; minus strand). Cytogenetic location: 22q13.33.
Variant type: single nucleotide variant.
Coding change: c.5596C>A on transcript NM_002972.4 (MANE Select); coding-DNA position 5596, C replaced by A.
Protein change: p.Arg1866Ser; replaces arginine 1866 with serine.
Molecular consequence: missense variant.
Genome position (GRCh38, 1-based): chr22:50,447,228, G>T on the plus strand (C>A on the coding strand, the complement: SBF1 is on the minus strand). VCF-style: chr22-50447228-G-T. GRCh37 (hg19) VCF-style: chr22-50885657-G-T.
Other names: c.5521C>A, p.Arg1841Ser (NM_001365819.1); c.5599C>A, p.Arg1867Ser (NM_001410794.1); c.5518C>A, p.Arg1840Ser (NM_001410795.1); c.5596C>A, p.Arg1866Ser (NM_197971.1); short protein forms R1867S, R1840S, R1841S, R1866S.
Identifiers: ClinVar variation 2693992 (VCV002693992.3), dbSNP rs747747731, ClinGen allele CA412183545.
Genomic context (GRCh38, chr22:50,447,228, plus strand): 5'-TCCGGTCCACCCACTGCTGGGCCGAGGGCACGTCCTGGGCACAGAAGTTGTAAACGCGAC[G>T]CGTTGTCTTCACCTGGGGAAGGGCGGGTTACTGACTCCGCAGCCCCCACACCGCAGAGCC-3'
Protein context (NP_002963.2, residues 1856-1876): EKAFFDVKTT[Arg1866Ser]RVYNFCAQDV

ClinVar aggregate classification (germline): Uncertain significance (1 of 4 stars; one submission).

Submission:

Labcorp Genetics (formerly Invitae), Labcorp
Classification: Uncertain significance. Last evaluated: 2024-04-02. Review status: criteria provided, single submitter. Criteria: Invitae Variant Classification Sherloc (09022015). Collection method: clinical testing. Allele origin: germline.
Comment: This sequence change replaces arginine, which is basic and polar, with serine, which is neutral and polar, at codon 1866 of the SBF1 protein (p.Arg1866Ser). This variant is not present in population databases (gnomAD no frequency). This variant has not been reported in the literature in individuals affected with SBF1-related conditions. Advanced modeling of protein sequence and biophysical properties (such as structural, functional, and spatial information, amino acid conservation, physicochemical variation, residue mobility, and thermodynamic stability) performed at Invitae indicates that this missense variant is not expected to disrupt SBF1 protein function with a negative predictive value of 80%. In summary, the available evidence is currently insufficient to determine the role of this variant in disease. Therefore, it has been classified as a Variant of Uncertain Significance.